The following is an entry in ClinVar:

ClinVar aggregate classification (germline): Uncertain significance (1 of 4 stars; one submission).

Conditions:
ZNF462-related disorder. Also called: ZNF462-related condition; ZNF462 related disease.

Submission:

PreventionGenetics, part of Exact Sciences
Classification: Uncertain significance for ZNF462-related condition. Last evaluated: 2024-11-16. Review status: criteria provided, single submitter. Criteria: ACMG Guidelines, 2015. Collection method: clinical testing. Allele origin: germline.
Comment: The ZNF462 c.1823C>G variant is predicted to result in the amino acid substitution p.Ser608Cys. To our knowledge, this variant has not been reported in the literature or in a large population database (gnomAD), indicating this variant is rare. At this time, the clinical significance of this variant is uncertain due to the absence of conclusive functional and genetic evidence.

NM_021224.6(ZNF462):c.1823C>G (p.Ser608Cys)

Gene: ZNF462 (zinc finger protein 462; plus strand). Cytogenetic location: 9q31.2.
Variant type: single nucleotide variant.
Coding change: c.1823C>G on transcript NM_021224.6 (MANE Select); coding-DNA position 1823, C replaced by G.
Protein change: p.Ser608Cys; replaces serine 608 with cysteine.
Molecular consequence: missense variant.
Genome position (GRCh38, 1-based): chr9:106,925,735, C>G. VCF-style: chr9-106925735-C-G. GRCh37 (hg19) VCF-style: chr9-109688016-C-G.
Other names: c.1823C>G, p.Ser608Cys (NM_001347997.2); short protein forms S608C.
Identifiers: ClinVar variation 5001725 (VCV005001725.1).